The following is an entry in ClinVar:

NM_212482.4(FN1):c.6134G>T (p.Gly2045Val)

Gene: FN1 (fibronectin 1; minus strand). Cytogenetic location: 2q35.
Variant type: single nucleotide variant.
Coding change: c.6134G>T on transcript NM_212482.4 (MANE Select); coding-DNA position 6134, G replaced by T.
Protein change: p.Gly2045Val; replaces glycine 2045 with valine.
Molecular consequence: missense variant.
Genome position (GRCh38, 1-based): chr2:215,375,237, C>A on the plus strand (G>T on the coding strand, the complement: FN1 is on the minus strand). VCF-style: chr2-215375237-C-A. GRCh37 (hg19) VCF-style: chr2-216239960-C-A.
Other names: c.6134G>T, p.Gly2045Val (NM_001306129.2); c.5864G>T, p.Gly1955Val (NM_001306130.2, NM_001365517.2, NM_001365519.2 and 2 more transcripts); c.5591G>T, p.Gly1864Val (NM_001306131.2, NM_001306132.2, NM_001365523.2 and 2 more transcripts); c.5861G>T, p.Gly1954Val (NM_001365518.2, NM_001365520.2, NM_001365524.2 and 2 more transcripts); short protein forms G1955V, G1864V, G1954V, G2045V.
Identifiers: ClinVar variation 2103109 (VCV002103109.4), dbSNP rs759018096, ClinGen allele CA2093939.

ClinVar aggregate classification (germline): Uncertain significance (1 of 4 stars; one submission).

Allele frequency attached by ClinVar (database versions not stated): TOPMed below 0.00001; ExAC 0.00001; gnomAD 0.00001.
gnomAD v4.1: 1 of 1,613,978 alleles (0.000062%); highest among the groups gnomAD compares: African/African-American, 0.0013%; no homozygotes.

Submission:

Labcorp Genetics (formerly Invitae), Labcorp
Classification: Uncertain significance. Last evaluated: 2022-02-24. Review status: criteria provided, single submitter. Criteria: Invitae Variant Classification Sherloc (09022015). Collection method: clinical testing. Allele origin: germline.
Comment: In summary, the available evidence is currently insufficient to determine the role of this variant in disease. Therefore, it has been classified as a Variant of Uncertain Significance. Algorithms developed to predict the effect of missense changes on protein structure and function are either unavailable or do not agree on the potential impact of this missense change (SIFT: "Not Available"; PolyPhen-2: "Probably Damaging"; Align-GVGD: "Not Available"). This variant has not been reported in the literature in individuals affected with FN1-related conditions. This variant is present in population databases (rs759018096, gnomAD 0.007%). This sequence change replaces glycine, which is neutral and non-polar, with valine, which is neutral and non-polar, at codon 2045 of the FN1 protein (p.Gly2045Val).